The following is an entry in ClinVar:

ClinVar aggregate classification (germline): Uncertain significance (1 of 4 stars; one submission).

gnomAD v4.1: 18 of 1,614,122 alleles (0.0011%); highest among the groups gnomAD compares: Non-Finnish European, 0.0014%; no homozygotes.

Submission:

GeneDx
Classification: Uncertain significance. Last evaluated: 2019-12-09. Review status: criteria provided, single submitter. Criteria: GeneDx Variant Classification Process June 2021. Collection method: clinical testing. Allele origin: germline. Affected: yes.
Comment: Not observed in large population cohorts (Lek et al., 2016); In silico analysis, which includes protein predictors and evolutionary conservation, supports a deleterious effect; Has not been previously published as pathogenic or benign to our knowledge

NM_007254.4(PNKP):c.1168G>A (p.Gly390Arg)

Gene: PNKP (polynucleotide kinase 3'-phosphatase; minus strand). Cytogenetic location: 19q13.33.
Variant type: single nucleotide variant.
Coding change: c.1168G>A on transcript NM_007254.4 (MANE Select); coding-DNA position 1168, G replaced by A.
Protein change: p.Gly390Arg; replaces glycine 390 with arginine.
Molecular consequence: missense variant.
Genome position (GRCh38, 1-based): chr19:49,862,064, C>T on the plus strand (G>A on the coding strand, the complement: PNKP is on the minus strand). VCF-style: chr19-49862064-C-T. GRCh37 (hg19) VCF-style: chr19-50365321-C-T.
Other names: short protein forms G390R.
Identifiers: ClinVar variation 1310873 (VCV001310873.2), dbSNP rs761335711, ClinGen allele CA406878820.